The following is an entry in ClinVar:

NM_004360.5(CDH1):c.1902G>C (p.Ala634=)

Gene: CDH1 (cadherin 1; plus strand). Cytogenetic location: 16q22.1.
Variant type: single nucleotide variant.
Coding change: c.1902G>C on transcript NM_004360.5 (MANE Select); coding-DNA position 1902, G replaced by C.
Protein change: p.Ala634=; no amino-acid change (alanine 634 retained).
Molecular consequence: synonymous variant. On other transcripts: 5 prime UTR variant (1).
Genome position (GRCh38, 1-based): chr16:68,822,191, G>C. VCF-style: chr16-68822191-G-C. GRCh37 (hg19) VCF-style: chr16-68856094-G-C.
Other names: c.1719G>C, p.Ala573= (NM_001317184.2); c.354G>C, p.Ala118= (NM_001317185.2); c.-64G>C (NM_001317186.2).
Identifiers: ClinVar variation 820307 (VCV000820307.5), dbSNP rs754404223, ClinGen allele CA496392972.

ClinVar aggregate classification (germline): Benign/Likely benign. Review status: criteria provided, multiple submitters, no conflicts (2 of 4 stars). 2 submissions from 2 submitters: Benign (1); Likely benign (1). Last evaluated 2024-09-20.

Conditions:
Hereditary diffuse gastric adenocarcinoma (HDGC). Also called: DIFFUSE GASTRIC AND LOBULAR BREAST CANCER SYNDROME. Identifiers: Orphanet 26106, MedGen C1708349, MONDO:0007648, OMIM 137215.
Hereditary cancer-predisposing syndrome. Also called: Hereditary Cancer Syndrome; Neoplastic Syndromes, Hereditary; Hereditary neoplastic syndrome; Tumor predisposition. Identifiers: Orphanet 140162, MedGen C0027672, MeSH D009386, MONDO:0015356.

Submissions (2):

Myriad Genetics, Inc.
Classification: Benign for Hereditary diffuse gastric adenocarcinoma. Last evaluated: 2024-09-20. Review status: criteria provided, single submitter. Criteria: Myriad Autosomal Dominant, Autosomal Recessive and X-Linked Classification Criteria (2023). Collection method: clinical testing. Allele origin: unknown.
Comment: This variant is considered benign. This variant is a silent/synonymous amino acid change and it is not expected to impact splicing.

Ambry Genetics
Classification: Likely benign for Hereditary cancer-predisposing syndrome. Last evaluated: 2018-02-28. Review status: criteria provided, single submitter. Criteria: Ambry Variant Classification Scheme 2023. Collection method: clinical testing. Allele origin: germline.